The following is an entry in ClinVar:

NM_005859.5(PURA):c.426_427dup (p.Leu143fs)

Genes: PURA (purine rich element binding protein A; plus strand), LOC129994826 (ATAC-STARR-seq lymphoblastoid active region 23260; plus strand). Cytogenetic location: 5q31.3.
Variant type: Microsatellite.
Coding change: c.426_427dup on transcript NM_005859.5 (MANE Select); coding-DNA positions 426 to 427, 2 bases duplicated (GC; older notation c.426_427dupGC).
Protein change: p.Leu143fs; shifts the reading frame from leucine 143.
Molecular consequence: frameshift variant.
Genome position (GRCh38, 1-based): chr5:140,114,607-140,114,608, GC duplicated; duplicating any 2 consecutive bases within chr5:140,114,605-140,114,608 gives the same sequence; the c. name uses the placement nearest the transcript's 3' end. VCF-style (leftmost placement, unchanged base first): chr5-140114604-G-GGC. GRCh37 (hg19) VCF-style: chr5-139494189-G-GGC.
Other names: short protein forms L143fs.
Identifiers: ClinVar variation 1699399 (VCV001699399.2), dbSNP rs2126749067, ClinGen allele CA923726104.

ClinVar aggregate classification (germline): Pathogenic (1 of 4 stars; one submission).

Conditions:
PURA-related severe neonatal hypotonia-seizures-encephalopathy syndrome (NEDRIHF). Also called: NEURODEVELOPMENTAL DISORDER WITH NEONATAL RESPIRATORY INSUFFICIENCY, HYPOTONIA, AND FEEDING DIFFICULTIES; PURA-Related Neurodevelopmental Disorders. Identifiers: Orphanet 438213, Orphanet 438216, MedGen C4015357, MONDO:1060108, OMIM 616158, MONDO:0018580.

Submission:

Victorian Clinical Genetics Services, Murdoch Childrens Research Institute
Classification: Pathogenic for PURA-related severe neonatal hypotonia-seizures-encephalopathy syndrome. Last evaluated: 2020-05-26. Review status: criteria provided, single submitter. Criteria: ACMG Guidelines, 2015. Collection method: clinical testing. Allele origin: germline. Inheritance: Autosomal dominant inheritance.
Comment: Based on the classification scheme VCGS_Germline_v1.1.1, this variant is classified as Pathogenic. Following criteria are met: 0105 - The mechanism of disease for this gene is not clearly established. (N) 0107 - This gene is known to be associated with autosomal dominant disease. (N) 0205 - Variant is predicted to result in a truncated protein with less than 1/3 of the protein affected (exon 1 of 1). (P) 0251 - Variant is heterozygous. (N) 0301 - Variant is absent from gnomAD. (P) 0701 - Comparable variants have very strong previous evidence for pathogenicity. Other variants predicted to cause a truncated protein have been reported as pathogenic in individuals with ID (ClinVar). (P) 0807 - Variant has not previously been reported in a clinical context. (N) 0905 - No segregation evidence has been identified for this variant. (N) 1007 - No published functional evidence has been identified for this variant. (N) 1102 - Strong phenotype match. (P) 1208 - Inheritance information for this variant is not currently available. (N) Legend: (P) - Pathogenic, (N) - Neutral, (B) - Benign